The following is an entry in ClinVar:

ClinVar aggregate classification (germline): Benign/Likely benign. Review status: criteria provided, multiple submitters, no conflicts (2 of 4 stars). 13 submissions from 10 submitters: Benign (10); Likely benign (1). 2 of the submissions do not count toward it. Last evaluated 2026-02-04.

Conditions:
Fetal akinesia, respiratory insufficiency, microcephaly, polymicrogyria, and dysmorphic facies. Identifiers: MedGen C5562015, MONDO:0859204, OMIM 619602.
Developmental and epileptic encephalopathy 98. Identifiers: MedGen C5562017, MONDO:0030472, OMIM 619605.
Familial hemiplegic migraine. Identifiers: MedGen C0338484, MONDO:0000700.
Migraine, familial hemiplegic, 2. Identifiers: Orphanet 569, MedGen C1865322, MONDO:0011232, OMIM 602481.
Alternating hemiplegia of childhood 1 (AHC1). Identifiers: Orphanet 2131, MedGen C3549447, MONDO:0007087, OMIM 104290.

Allele frequency attached by ClinVar (database versions not stated): 1000 Genomes Project 30x 0.93832; 1000 Genomes Project 0.94249; ESP Exome Variant Server 0.94941; TOPMed 0.95209; gnomAD 0.95274 and 0.95545; ExAC 0.98491; gnomAD exomes 0.98782 and 0.99514.
gnomAD v4.1: 1,599,833 of 1,614,060 alleles (99%); highest among the groups gnomAD compares: East Asian, 100%; 793,807 homozygotes.

Submissions (13):

Labcorp Genetics (formerly Invitae), Labcorp
Classification: Benign for Familial hemiplegic migraine. Last evaluated: 2026-02-04. Review status: criteria provided, single submitter. Criteria: Invitae Variant Classification Sherloc (09022015). Collection method: clinical testing. Allele origin: germline.

Blueprint Genetics
Classification: Likely benign. Last evaluated: 2024-11-26. Review status: criteria provided, single submitter. Criteria: ACMG Guidelines, 2015. Collection method: clinical testing. Allele origin: germline.

Unidad de Genómica Garrahan, Hospital de Pediatría Garrahan
Classification: Benign. Last evaluated: 2024-07-15. Review status: criteria provided, single submitter. Criteria: ACMG Guidelines, 2015. Collection method: clinical testing. Allele origin: germline. Affected: no. Observed: 93 variant alleles.
Comment: This variant is classified as Benign based on local population frequency. This variant was detected in 100% of patients studied in a panel designed for Epileptic and Developmental Encephalopathy and Progressive Myoclonus Epilepsy. Number of patients: 93. Only high quality variants are reported.

Genome-Nilou Lab
Classification: Benign for Developmental and epileptic encephalopathy 98. Last evaluated: 2021-12-05. Review status: criteria provided, single submitter. Criteria: ACMG Guidelines, 2015. Collection method: clinical testing. Allele origin: germline. Affected: no.

Genome-Nilou Lab
Classification: Benign for Fetal akinesia, respiratory insufficiency, microcephaly, polymicrogyria, and dysmorphic facies. Last evaluated: 2021-12-05. Review status: criteria provided, single submitter. Criteria: ACMG Guidelines, 2015. Collection method: clinical testing. Allele origin: germline. Affected: no.

Genome-Nilou Lab
Classification: Benign for Migraine, familial hemiplegic, 2. Last evaluated: 2021-12-05. Review status: criteria provided, single submitter. Criteria: ACMG Guidelines, 2015. Collection method: clinical testing. Allele origin: germline. Affected: no.

Genome-Nilou Lab
Classification: Benign for Alternating hemiplegia of childhood 1. Last evaluated: 2021-07-14. Review status: criteria provided, single submitter. Criteria: ACMG Guidelines, 2015. Collection method: clinical testing. Allele origin: germline. Affected: no.

GeneDx
Classification: Benign. Last evaluated: 2015-03-03. Review status: criteria provided, single submitter. Criteria: GeneDx Variant Classification Process June 2021. Collection method: clinical testing. Allele origin: germline. Affected: yes.

Eurofins Ntd Llc (ga)
Classification: Benign. Last evaluated: 2014-07-17. Review status: criteria provided, single submitter. Criteria: EGL Classification Definitions 2015. Collection method: clinical testing. Allele origin: germline. Observed: 1 variant allele, 1 homozygote.

Breakthrough Genomics
Classification: Benign. Review status: criteria provided, single submitter. Criteria: ACMG Guidelines, 2015. Collection method: not provided. Allele origin: germline. Inheritance: Autosomal recessive inheritance. Affected: yes.

PreventionGenetics, part of Exact Sciences
Classification: Benign. Review status: criteria provided, single submitter. Criteria: ACMG Guidelines, 2015. Collection method: clinical testing. Allele origin: germline.

Diagnostic Laboratory, Department of Genetics, University Medical Center Groningen
Classification: Benign. Review status: no assertion criteria provided. Collection method: clinical testing. Allele origin: germline. Affected: yes. Study: VKGL Data-share Consensus. Not counted in ClinVar's aggregate classification.

Joint Genome Diagnostic Labs from Nijmegen and Maastricht, Radboudumc and MUMC+
Classification: Benign. Review status: no assertion criteria provided. Collection method: clinical testing. Allele origin: germline. Affected: yes. Study: VKGL Data-share Consensus. Not counted in ClinVar's aggregate classification.

NM_000702.4(ATP1A2):c.381+16C>T

Gene: ATP1A2 (ATPase Na+/K+ transporting subunit alpha 2; plus strand). Cytogenetic location: 1q23.2.
Variant type: single nucleotide variant.
Coding change: c.381+16C>T on transcript NM_000702.4 (MANE Select); 16 bases into the intron after coding-DNA position 381, C replaced by T.
Molecular consequence: intron variant.
Genome position (GRCh38, 1-based): chr1:160,123,432, C>T. VCF-style: chr1-160123432-C-T. GRCh37 (hg19) VCF-style: chr1-160093222-C-T.
Identifiers: ClinVar variation 197163 (VCV000197163.25), dbSNP rs2820581, ClinGen allele CA202720.